The following is an entry in ClinVar:

ClinVar aggregate classification (germline): Uncertain significance (1 of 4 stars; one submission).

Conditions:
Cardiovascular phenotype. Identifiers: MedGen CN230736.

Submission:

Ambry Genetics
Classification: Uncertain significance for Cardiovascular phenotype. Last evaluated: 2021-08-02. Review status: criteria provided, single submitter. Criteria: Ambry Variant Classification Scheme 2023. Collection method: clinical testing. Allele origin: germline.
Comment: The p.D922G variant (also known as c.2765A>G), located in coding exon 23 of the JAG1 gene, results from an A to G substitution at nucleotide position 2765. The aspartic acid at codon 922 is replaced by glycine, an amino acid with similar properties. This amino acid position is conserved. In addition, the in silico prediction for this alteration is inconclusive. Since supporting evidence is limited at this time, the clinical significance of this alteration remains unclear.

NM_000214.3(JAG1):c.2765A>G (p.Asp922Gly)

Gene: JAG1 (jagged canonical Notch ligand 1; minus strand). Cytogenetic location: 20p12.2.
Variant type: single nucleotide variant.
Coding change: c.2765A>G on transcript NM_000214.3 (MANE Select); coding-DNA position 2765, A replaced by G.
Protein change: p.Asp922Gly; replaces aspartic acid 922 with glycine.
Molecular consequence: missense variant.
Genome position (GRCh38, 1-based): chr20:10,641,611, T>C on the plus strand (A>G on the coding strand, the complement: JAG1 is on the minus strand). VCF-style: chr20-10641611-T-C. GRCh37 (hg19) VCF-style: chr20-10622259-T-C.
Other names: short protein forms D922G.
Identifiers: ClinVar variation 1795730 (VCV001795730.2), dbSNP rs2514509213, ClinGen allele CA408245021.